The following is an entry in ClinVar:

ClinVar aggregate classification (germline): Likely benign (1 of 4 stars; one submission).

Submission:

CeGaT Center for Human Genetics Tuebingen
Classification: Likely benign. Last evaluated: 2025-01-01. Review status: criteria provided, single submitter. Criteria: CeGaT Center For Human Genetics Tuebingen Variant Classification Criteria Version 2. Collection method: clinical testing. Allele origin: germline. Affected: yes. Observed: 1 variant allele.
Comment: PTK2B: PM2:Supporting, BP4, BP7

NM_173176.3(PTK2B):c.1656C>T (p.Val552=)

Gene: PTK2B (protein tyrosine kinase 2 beta; plus strand). Cytogenetic location: 8p21.2.
Variant type: single nucleotide variant.
Coding change: c.1656C>T on transcript NM_173176.3 (MANE Select); coding-DNA position 1656, C replaced by T.
Protein change: p.Val552=; no amino-acid change (valine 552 retained).
Molecular consequence: synonymous variant.
Genome position (GRCh38, 1-based): chr8:27,439,043, C>T. VCF-style: chr8-27439043-C-T. GRCh37 (hg19) VCF-style: chr8-27296560-C-T.
Other names: c.1656C>T, p.Val552= (NM_004103.4, NM_173174.3, NM_173175.2).
Identifiers: ClinVar variation 3772216 (VCV003772216.13).
Genomic context (GRCh38, chr8:27,439,043, plus strand): 5'-CATGGGGGTGGGCAGTGCCTCATCCTGGTCTTGATGCCCTTCTTCCAGGGACATTGCTGT[C>T]CGGAACATCCTGGTGGCCTCCCCTGAGTGTGTGAAGCTGGGGGACTTTGGTCTTTCCCGG-3'
Protein context (NP_775268.1, residues 542-562): SINCVHRDIA[Val552=]RNILVASPEC